The following is an entry in ClinVar:

ClinVar aggregate classification (germline): Uncertain significance. Review status: criteria provided, multiple submitters, no conflicts (2 of 4 stars). 3 submissions from 3 submitters: Uncertain significance (3). Last evaluated 2026-06-10.

Conditions:
Familial sleep-related hypermotor epilepsy. Also called: Autosomal Dominant Sleep-Related Hypermotor (Hyperkinetic) Epilepsy. Identifiers: Orphanet 98784, MedGen C3696898, MONDO:0000030.

Allele frequency attached by ClinVar (database versions not stated): gnomAD 0.00001; ESP Exome Variant Server 0.00008; gnomAD exomes below 0.00001; ExAC 0.00001; TOPMed 0.00002.
gnomAD v4.1: 3 of 1,606,670 alleles (0.00019%); highest among the groups gnomAD compares: African/African-American, 0.0041%; no homozygotes.

Submissions (3):

GeneDx
Classification: Uncertain significance. Last evaluated: 2026-06-10. Review status: criteria provided, single submitter. Criteria: GeneDx Variant Classification Process June 2021. Collection method: clinical testing. Allele origin: germline.
Comment: Not observed at significant frequency in large population cohorts (gnomAD); In silico analysis suggests that this missense variant does not alter protein structure/function; Has not been previously published as pathogenic or benign to our knowledge

Women's Health and Genetics/Laboratory Corporation of America, LabCorp
Classification: Uncertain significance. Last evaluated: 2025-09-05. Review status: criteria provided, single submitter. Criteria: LabCorp Variant Classification Summary - May 2015. Collection method: clinical testing. Allele origin: germline.
Comment: Variant summary: CHRNA4 c.325A>G (p.Thr109Ala) results in a non-conservative amino acid change in the encoded protein sequence. Algorithms developed to predict the effect of missense changes on protein structure and function are either unavailable or do not agree on the potential impact of this missense change. The variant allele was found at a frequency of 4e-06 in 249584 control chromosomes. The available data on variant occurrences in the general population are insufficient to allow any conclusion about variant significance. To our knowledge, no occurrence of c.325A>G in individuals affected with CHRNA4-related conditions and no experimental evidence demonstrating its impact on protein function have been reported. ClinVar contains an entry for this variant (Variation ID: 1803400). Based on the evidence outlined above, the variant was classified as uncertain significance.

Labcorp Genetics (formerly Invitae), Labcorp
Classification: Uncertain significance. Last evaluated: 2024-02-16. Review status: criteria provided, single submitter. Criteria: Invitae Variant Classification Sherloc (09022015). Collection method: clinical testing. Allele origin: germline.
Comment: This sequence change replaces threonine, which is neutral and polar, with alanine, which is neutral and non-polar, at codon 109 of the CHRNA4 protein (p.Thr109Ala). This variant is present in population databases (rs145017594, gnomAD 0.007%). This variant has not been reported in the literature in individuals affected with CHRNA4-related conditions. ClinVar contains an entry for this variant (Variation ID: 1803400). Advanced modeling of protein sequence and biophysical properties (such as structural, functional, and spatial information, amino acid conservation, physicochemical variation, residue mobility, and thermodynamic stability) performed at Invitae indicates that this missense variant is expected to disrupt CHRNA4 protein function with a positive predictive value of 80%. In summary, the available evidence is currently insufficient to determine the role of this variant in disease. Therefore, it has been classified as a Variant of Uncertain Significance.

NM_000744.7(CHRNA4):c.325A>G (p.Thr109Ala)

Genes: CHRNA4 (cholinergic receptor nicotinic alpha 4 subunit; minus strand), LOC126863087 (P300/CBP strongly-dependent group 1 enhancer GRCh37_chr20:61986832-61988031; plus strand). Cytogenetic location: 20q13.33.
Variant type: single nucleotide variant.
Coding change: c.325A>G on transcript NM_000744.7 (MANE Select); coding-DNA position 325, A replaced by G.
Protein change: p.Thr109Ala; replaces threonine 109 with alanine.
Molecular consequence: missense variant. On other transcripts: 5 prime UTR variant (1), non-coding transcript variant (1).
Genome position (GRCh38, 1-based): chr20:63,356,033, T>C on the plus strand (A>G on the coding strand, the complement: CHRNA4 is on the minus strand). VCF-style: chr20-63356033-T-C. GRCh37 (hg19) VCF-style: chr20-61987385-T-C.
Other names: c.-222A>G (NM_001256573.2); short protein forms T109A.
Identifiers: ClinVar variation 1803400 (VCV001803400.5), dbSNP rs145017594, ClinGen allele CA9957869.